The following is an entry in ClinVar:

NM_007294.4(BRCA1):c.4185+2dup

Gene: BRCA1 (BRCA1 DNA repair associated; minus strand). Cytogenetic location: 17q21.31.
Variant type: Duplication.
Coding change: c.4185+2dup on transcript NM_007294.4 (MANE Select); the canonical splice donor site of the intron after coding-DNA position 4185, one base duplicated (T; older notation c.4185+2dupT).
Molecular consequence: splice donor variant.
Genome position (GRCh38, 1-based): chr17:43,090,942, A duplicated on the plus strand (T on the coding strand, the reverse complement: BRCA1 is on the minus strand). VCF-style (leftmost placement, unchanged base first): chr17-43090941-T-TA. GRCh37 (hg19) VCF-style: chr17-41242958-T-TA.
Other names: c.4185+2dupT (NM_007294.3); c.4041+2dup (NM_001407749.1, NM_001407846.1, NM_001407943.1 and 20 more transcripts); c.612+2dup (NM_001408501.1, NM_001408500.1, NM_001408497.1 and 3 more transcripts); c.735+2dup (NM_001408455.1, NM_001408466.1, NM_001408452.1 and 11 more transcripts); c.4044+2dup (NM_001407731.1, NM_001407695.1, NM_001407726.1 and 29 more transcripts); c.3975+2dup (NM_001407889.1, NM_001407910.1, NM_001407904.1 and 13 more transcripts); c.666+2dup (NM_001408513.1, NM_001408489.1, NM_001408479.1 and 9 more transcripts); c.609+2dup (NM_001408503.1, NM_001408505.1, NM_001408504.1); and 42 more.
Identifiers: ClinVar variation 627981 (VCV000627981.9), dbSNP rs1567788164, ClinGen allele CA913187774.

ClinVar aggregate classification (germline): Uncertain significance. Review status: criteria provided, multiple submitters, no conflicts (2 of 4 stars). 2 submissions from 2 submitters: Uncertain significance (2). Last evaluated 2021-02-16.

Conditions:
Hereditary cancer-predisposing syndrome. Also called: Neoplastic Syndromes, Hereditary; Tumor predisposition; Hereditary neoplastic syndrome; Hereditary Cancer Syndrome. Identifiers: Orphanet 140162, MedGen C0027672, MeSH D009386, MONDO:0015356.
Hereditary breast ovarian cancer syndrome. Also called: Hereditary breast and ovarian cancer syndrome; Hereditary breast and ovarian cancer; Hereditary breast and ovarian cancer syndrome (HBOC); Breast and ovarian cancer; Hereditary breast and/or ovarian cancer syndrome; BRCA1- and BRCA2-Associated Hereditary Breast and Ovarian Cancer. Identifiers: Orphanet 145, MedGen C0677776, MeSH D061325, MONDO:0003582. Disease mechanism: loss of function.

Submissions (2):

Labcorp Genetics (formerly Invitae), Labcorp
Classification: Uncertain significance for Hereditary breast ovarian cancer syndrome. Last evaluated: 2021-02-16. Review status: criteria provided, single submitter. Criteria: Invitae Variant Classification Sherloc (09022015). Collection method: clinical testing. Allele origin: germline.
Comment: This variant has not been reported in the literature in individuals with BRCA1-related conditions. ClinVar contains an entry for this variant (Variation ID: 627981). Nucleotide substitutions within the consensus splice site are a relatively common cause of aberrant splicing (PMID: 17576681, 9536098). Algorithms developed to predict the effect of sequence changes on RNA splicing suggest that this variant may disrupt the consensus splice site, but this prediction has not been confirmed by published transcriptional studies. In summary, the available evidence is currently insufficient to determine the role of this variant in disease. Therefore, it has been classified as a Variant of Uncertain Significance. This variant is not present in population databases (ExAC no frequency). This sequence change falls in intron 11 of the BRCA1 gene. It does not directly change the encoded amino acid sequence of the BRCA1 protein. It affects a nucleotide within the consensus splice site of the intron.

Color Diagnostics, LLC DBA Color Health
Classification: Uncertain significance for Hereditary cancer-predisposing syndrome. Last evaluated: 2018-09-19. Review status: criteria provided, single submitter. Criteria: ACMG Guidelines, 2015. Collection method: clinical testing. Allele origin: germline.

Literature cited by the submitters: PubMed 17576681 (cited by Labcorp Genetics (formerly Invitae), Labcorp); PubMed 9536098 (cited by Labcorp Genetics (formerly Invitae), Labcorp).